The following is an entry in ClinVar:

ClinVar aggregate classification (germline): Conflicting classifications of pathogenicity. Review status: criteria provided, conflicting classifications (1 of 4 stars). 9 submissions from 9 submitters: Uncertain significance (2); Benign (4); Likely benign (1). 2 of the submissions do not count toward it. Last evaluated 2026-01-31.

Conditions:
CASQ2-related disorder. Also called: CASQ2-related condition.
Catecholaminergic polymorphic ventricular tachycardia 1. Also called: VENTRICULAR TACHYCARDIA, CATECHOLAMINERGIC POLYMORPHIC, 1, WITH OR WITHOUT ATRIAL DYSFUNCTION AND/OR DILATED CARDIOMYOPATHY; VENTRICULAR TACHYCARDIA, STRESS-INDUCED POLYMORPHIC 1; RYR2-Related Catecholaminergic Polymorphic Ventricular Tachycardia. Identifiers: Orphanet 3286, MedGen C1631597, MONDO:0011484, OMIM 604772.
Catecholaminergic polymorphic ventricular tachycardia 2. Also called: VENTRICULAR TACHYCARDIA, STRESS-INDUCED POLYMORPHIC 2; CASQ2-Related Catecholaminergic Polymorphic Ventricular Tachycardia. Identifiers: Orphanet 3286, MedGen C2677794, MONDO:0012762, OMIM 611938.

Allele frequency attached by ClinVar (database versions not stated): 1000 Genomes Project 30x 0.00031; 1000 Genomes Project 0.00040; TOPMed 0.00083; ESP Exome Variant Server 0.00100; gnomAD exomes 0.00111; ExAC 0.00112; gnomAD 0.00159.
gnomAD v4.1: 2,130 of 1,422,228 alleles (0.15%); highest among the groups gnomAD compares: Non-Finnish European, 0.19%; 2 homozygotes.

Submissions (9):

Labcorp Genetics (formerly Invitae), Labcorp
Classification: Benign for Catecholaminergic polymorphic ventricular tachycardia 1. Last evaluated: 2026-01-31. Review status: criteria provided, single submitter. Criteria: Invitae Variant Classification Sherloc (09022015). Collection method: clinical testing. Allele origin: germline.

Women's Health and Genetics/Laboratory Corporation of America, LabCorp
Classification: Benign. Last evaluated: 2025-05-12. Review status: criteria provided, single submitter. Criteria: LabCorp Variant Classification Summary - May 2015. Collection method: clinical testing. Allele origin: germline.
Comment: Variant summary: CASQ2 c.421-14G>A alters a nucleotide located at a position not widely known to affect splicing. Consensus agreement among computation tools predict no significant impact on normal splicing. However, these predictions have yet to be confirmed by functional studies. The variant allele was found at a frequency of 0.0011 in 251204 control chromosomes, predominantly at a frequency of 0.0019 within the Non-Finnish European subpopulation in the gnomAD database. The observed variant frequency within Non-Finnish European control individuals in the gnomAD database is approximately 1.2 fold of the estimated maximal expected allele frequency for a pathogenic variant in CASQ2 causing Catecholaminergic Polymorphic Ventricular Tachycardia phenotype (0.0016). c.421-14G>A has been observed in at least one individual affected with Catecholaminergic Polymorphic Ventricular Tachycardia, without strong evidence for causality and in a child with hypertrophic cardiomyopathy who had a co-occurring pathogenic variant reported in MYH7 (Laitinen_2003, Burstein_2021). These reports do not provide unequivocal conclusions about association of the variant with Catecholaminergic Polymorphic Ventricular Tachycardia. To our knowledge, no experimental evidence demonstrating an impact on protein function has been reported. The following publications have been ascertained in the context of this evaluation (PMID: 32746448, 14571276). ClinVar contains an entry for this variant (Variation ID: 44164). Based on the evidence outlined above, the variant was classified as benign.

Blueprint Genetics
Classification: Likely benign. Last evaluated: 2024-11-20. Review status: criteria provided, single submitter. Criteria: ACMG Guidelines, 2015. Collection method: clinical testing. Allele origin: germline.

Illumina Laboratory Services, Illumina
Classification: Uncertain significance for Catecholaminergic polymorphic ventricular tachycardia 2. Last evaluated: 2018-01-13. Review status: criteria provided, single submitter. Criteria: ICSL Variant Classification Criteria 13 December 2019. Collection method: clinical testing. Allele origin: germline.

Laboratory for Molecular Medicine, Mass General Brigham Personalized Medicine
Classification: Uncertain significance. Last evaluated: 2016-07-01. Review status: criteria provided, single submitter. Criteria: LMM Criteria. Collection method: clinical testing. Allele origin: germline. Observed: 5 variant alleles.
Comment: Variant classified as Uncertain Significance - Favor Benign. The c.421-14G>A var iant in CASQ2 has been reported in 6 individuals with different cardiomyopathies (HCM, DCM, LVNC, CPVT), two of whom also carried another variant sufficient to explain disease (Laitinen 2003, LMM data). This variant has been identified in 0 .2% (123/66738) of European chromosomes by the Exome Aggregation Consortium (ExA C. dbSNP rs139281637). This variant is located i n the 3' splice region. Computational tools do not suggest an impact to splicing . However, this information is not predictive enough to rule out pathogenicity. In summary, while the clinical significance of the c.421-14G>A variant is uncert ain, these data suggest that it is more likely to be benign.

GeneDx
Classification: Benign. Last evaluated: 2014-11-18. Review status: criteria provided, single submitter. Criteria: GeneDx Variant Classification (06012015). Collection method: clinical testing. Allele origin: germline. Affected: yes.
Comment: This variant is considered likely benign or benign based on one or more of the following criteria: it is a conservative change, it occurs at a poorly conserved position in the protein, it is predicted to be benign by multiple in silico algorithms, and/or has population frequency not consistent with disease.

Genome Diagnostics Laboratory, University Medical Center Utrecht
Classification: Benign for Catecholaminergic polymorphic ventricular tachycardia 2. Last evaluated: 2014-10-09. Review status: criteria provided, single submitter. Criteria: ACGS Guidelines, 2013. Collection method: clinical testing. Allele origin: germline. Affected: yes. Study: VKGL Data-share Consensus.

PreventionGenetics, part of Exact Sciences
Classification: Likely benign for CASQ2-related condition. Last evaluated: 2021-05-03. Review status: no assertion criteria provided. Collection method: clinical testing. Allele origin: germline. Not counted in ClinVar's aggregate classification.
Comment: This variant is classified as likely benign based on ACMG/AMP sequence variant interpretation guidelines (Richards et al. 2015 PMID: 25741868, with internal and published modifications).

Clinical Genetics, Academic Medical Center
Classification: Benign. Review status: no assertion criteria provided. Collection method: clinical testing. Allele origin: germline. Affected: yes. Study: VKGL Data-share Consensus. Not counted in ClinVar's aggregate classification.

Literature cited by the submitters: PubMed 14571276 (cited by Women's Health and Genetics/Laboratory Corporation of America, LabCorp and Laboratory for Molecular Medicine, Mass General Brigham Personalized Medicine); PubMed 32746448 (cited by Women's Health and Genetics/Laboratory Corporation of America, LabCorp).

NM_001232.4(CASQ2):c.421-14G>A

Gene: CASQ2 (calsequestrin 2; minus strand). Cytogenetic location: 1p13.1.
Variant type: single nucleotide variant.
Coding change: c.421-14G>A on transcript NM_001232.4 (MANE Select); 14 bases into the intron before coding-DNA position 421, G replaced by A.
Molecular consequence: intron variant.
Genome position (GRCh38, 1-based): chr1:115,738,349, C>T on the plus strand (G>A on the coding strand, the complement: CASQ2 is on the minus strand). VCF-style: chr1-115738349-C-T. GRCh37 (hg19) VCF-style: chr1-116280970-C-T.
Identifiers: ClinVar variation 44164 (VCV000044164.25), dbSNP rs139281637, ClinGen allele CA210965.